The following is an entry in ClinVar:

NM_001854.4(COL11A1):c.4585C>A (p.Leu1529Ile)

Gene: COL11A1 (collagen type XI alpha 1 chain; minus strand). Cytogenetic location: 1p21.1.
Variant type: single nucleotide variant.
Coding change: c.4585C>A on transcript NM_001854.4 (MANE Select); coding-DNA position 4585, C replaced by A.
Protein change: p.Leu1529Ile; replaces leucine 1529 with isoleucine.
Molecular consequence: missense variant. On other transcripts: non-coding transcript variant (1).
Genome position (GRCh38, 1-based): chr1:102,888,600, G>T on the plus strand (C>A on the coding strand, the complement: COL11A1 is on the minus strand). VCF-style: chr1-102888600-G-T. GRCh37 (hg19) VCF-style: chr1-103354156-G-T.
Other names: c.4468C>A, p.Leu1490Ile (NM_001190709.2); c.4621C>A, p.Leu1541Ile (NM_080629.3); c.4237C>A, p.Leu1413Ile (NM_080630.4); short protein forms L1490I, L1413I, L1529I, L1541I.
Identifiers: ClinVar variation 1385693 (VCV001385693.6), dbSNP rs2100851363, ClinGen allele CA341212299.

ClinVar aggregate classification (germline): Uncertain significance (1 of 4 stars; one submission).

Submission:

Labcorp Genetics (formerly Invitae), Labcorp
Classification: Uncertain significance. Last evaluated: 2022-08-10. Review status: criteria provided, single submitter. Criteria: Invitae Variant Classification Sherloc (09022015). Collection method: clinical testing. Allele origin: germline.
Comment: In summary, the available evidence is currently insufficient to determine the role of this variant in disease. Therefore, it has been classified as a Variant of Uncertain Significance. Advanced modeling of protein sequence and biophysical properties (such as structural, functional, and spatial information, amino acid conservation, physicochemical variation, residue mobility, and thermodynamic stability) performed at Invitae indicates that this missense variant is not expected to disrupt COL11A1 protein function. ClinVar contains an entry for this variant (Variation ID: 1385693). This variant has not been reported in the literature in individuals affected with COL11A1-related conditions. This variant is not present in population databases (gnomAD no frequency). This sequence change replaces leucine, which is neutral and non-polar, with isoleucine, which is neutral and non-polar, at codon 1529 of the COL11A1 protein (p.Leu1529Ile).